The following is an entry in ClinVar:

NM_001080466.2(BTBD17):c.798C>T (p.Phe266=)

Gene: BTBD17 (BTB domain containing 17; minus strand). Cytogenetic location: 17q25.1.
Variant type: single nucleotide variant.
Coding change: c.798C>T on transcript NM_001080466.2 (MANE Select); coding-DNA position 798, C replaced by T.
Protein change: p.Phe266=; no amino-acid change (phenylalanine 266 retained).
Molecular consequence: synonymous variant.
Genome position (GRCh38, 1-based): chr17:74,357,296, G>A on the plus strand (C>T on the coding strand, the complement: BTBD17 is on the minus strand). VCF-style: chr17-74357296-G-A. GRCh37 (hg19) VCF-style: chr17-72353435-G-A.
Identifiers: ClinVar variation 4873344 (VCV004873344.2).

ClinVar aggregate classification (germline): Likely benign (1 of 4 stars; one submission).

Submission:

CeGaT Center for Human Genetics Tuebingen
Classification: Likely benign. Last evaluated: 2026-05-01. Review status: criteria provided, single submitter. Criteria: CeGaT Center For Human Genetics Tuebingen Variant Classification Criteria Version 2. Collection method: clinical testing. Allele origin: germline. Affected: yes. Observed: 1 variant allele.
Comment: BTBD17: PM2:Supporting, BP4, BP7